The following is an entry in ClinVar:

NM_031407.7(HUWE1):c.12903= (p.Thr4301=)

Gene: HUWE1 (HECT, UBA and WWE domain containing E3 ubiquitin protein ligase 1; minus strand). Cytogenetic location: Xp11.22.
Variant type: single nucleotide variant.
Coding change: c.12903= on transcript NM_031407.7 (MANE Select); coding-DNA position 12903, no change from the reference sequence.
Protein change: p.Thr4301=; no amino-acid change (threonine 4301 retained).
Molecular consequence: no sequence alteration.
Genome position: GRCh38 VCF-style: chrX-53534126-T-T. GRCh37 (hg19) VCF-style: chrX-53561087-C-T.
Other names: c.12903= (NM_031407.6).
Identifiers: ClinVar variation 129251 (VCV000129251.23), dbSNP rs477171.

ClinVar aggregate classification (germline): Benign. Review status: criteria provided, multiple submitters, no conflicts (2 of 4 stars). 5 submissions from 5 submitters: Benign (4). 1 of the submissions does not count toward it. Last evaluated 2025-12-21.

Conditions:
Inborn genetic diseases. Identifiers: MedGen C0950123, MeSH D030342.

Allele frequency attached by ClinVar (database versions not stated): 1000 Genomes Project 30x 0.00541; TOPMed 0.00808; gnomAD 0.99999.

Submissions (9):

Labcorp Genetics (formerly Invitae), Labcorp
Classification: Benign. Last evaluated: 2025-12-21. Review status: criteria provided, single submitter. Criteria: Invitae Variant Classification Sherloc (09022015). Collection method: clinical testing. Allele origin: germline.

GeneDx
Classification: Benign. Last evaluated: 2020-02-24. Review status: criteria provided, single submitter. Criteria: GeneDx Variant Classification Process June 2021. Collection method: clinical testing. Allele origin: germline. Affected: yes.

Ambry Genetics
Classification: Benign for Inborn genetic diseases. Last evaluated: 2016-07-29. Review status: criteria provided, single submitter. Criteria: Ambry Variant Classification Scheme 2023. Collection method: clinical testing. Allele origin: germline.

Breakthrough Genomics
Classification: Benign. Review status: criteria provided, single submitter. Criteria: ACMG Guidelines, 2015. Collection method: not provided. Allele origin: germline. Inheritance: X-linked inheritance. Affected: yes.

Dr. Peter K. Rogan Lab, Western University
No classification provided (evidence only). Condition: Cervical cancer. Review status: no classification provided. Collection method: in vitro. Allele origin: not applicable. Functional consequence: cryptic splice site. Not counted in ClinVar's aggregate classification.

Dr. Peter K. Rogan Lab, Western University
No classification provided (evidence only). Condition: Ovarian serous cystadenocarcinoma. Review status: no classification provided. Collection method: in vitro. Allele origin: not applicable. Functional consequence: retained intron. Not counted in ClinVar's aggregate classification.

Dr. Peter K. Rogan Lab, Western University
No classification provided (evidence only). Condition: Gastric cancer. Review status: no classification provided. Collection method: in vitro. Allele origin: not applicable. Functional consequence: retained intron. Not counted in ClinVar's aggregate classification.

Dr. Peter K. Rogan Lab, Western University
No classification provided (evidence only). Condition: Gastric cancer. Review status: no classification provided. Collection method: in vitro. Allele origin: not applicable. Functional consequence: retained intron. Not counted in ClinVar's aggregate classification.

Genetic Services Laboratory, University of Chicago
Classification: Likely benign for AllHighlyPenetrant. Review status: no assertion criteria provided. Collection method: clinical testing. Allele origin: germline. Inheritance: X-linked inheritance. Not counted in ClinVar's aggregate classification.
Comment: Likely benign based on allele frequency in 1000 Genomes Project or ESP global frequency and its presence in a patient with a rare or unrelated disease phenotype. NOT Sanger confirmed.